The following is an entry in ClinVar:

ClinVar aggregate classification (germline): Uncertain significance (1 of 4 stars; one submission).

Conditions:
Cone-rod dystrophy 6 (CORD6). Also called: RETINAL CONE DYSTROPHY 2; Cone dystrophy progressive. Identifiers: Orphanet 1872, MedGen C1866293, MONDO:0011143, OMIM 601777.
Leber congenital amaurosis 1 (LCA1). Also called: Congenital absence of the rods and cones; Leber's congenital tapetoretinal degeneration; Leber's congenital tapetoretinal dysplasia; RETINAL BLINDNESS, CONGENITAL; AMAUROSIS CONGENITA OF LEBER I. Identifiers: Orphanet 65, MedGen C2931258, MONDO:0008764, OMIM 204000.

Submission:

Labcorp Genetics (formerly Invitae), Labcorp
Classification: Uncertain significance for Leber congenital amaurosis 1; Cone-rod dystrophy 6. Last evaluated: 2022-10-13. Review status: criteria provided, single submitter. Criteria: Invitae Variant Classification Sherloc (09022015). Collection method: clinical testing. Allele origin: germline.
Comment: In summary, the available evidence is currently insufficient to determine the role of this variant in disease. Therefore, it has been classified as a Variant of Uncertain Significance. Variants that disrupt the consensus splice site are a relatively common cause of aberrant splicing (PMID: 17576681, 9536098). Algorithms developed to predict the effect of sequence changes on RNA splicing suggest that this variant may create or strengthen a splice site. Algorithms developed to predict the effect of missense changes on protein structure and function (SIFT, PolyPhen-2, Align-GVGD) all suggest that this variant is likely to be disruptive. ClinVar contains an entry for this variant (Variation ID: 1360997). This variant has not been reported in the literature in individuals affected with GUCY2D-related conditions. This variant is not present in population databases (gnomAD no frequency). This sequence change replaces aspartic acid, which is acidic and polar, with tyrosine, which is neutral and polar, at codon 705 of the GUCY2D protein (p.Asp705Tyr). This variant also falls at the last nucleotide of exon 10, which is part of the consensus splice site for this exon.

Literature cited by the submitters: PubMed 17576681; PubMed 9536098.

NM_000180.4(GUCY2D):c.2113G>T (p.Asp705Tyr)

Gene: GUCY2D (guanylate cyclase 2D, retinal; plus strand). Cytogenetic location: 17p13.1.
Variant type: single nucleotide variant.
Coding change: c.2113G>T on transcript NM_000180.4 (MANE Select); coding-DNA position 2113, G replaced by T.
Protein change: p.Asp705Tyr; replaces aspartic acid 705 with tyrosine.
Molecular consequence: missense variant.
Genome position (GRCh38, 1-based): chr17:8,012,606, G>T. VCF-style: chr17-8012606-G-T. GRCh37 (hg19) VCF-style: chr17-7915924-G-T.
Other names: short protein forms D705Y.
Identifiers: ClinVar variation 1360997 (VCV001360997.8), dbSNP rs1434526446, ClinGen allele CA397952677.
Genomic context (GRCh38, chr17:8,012,606, plus strand): 5'-CACGGCCACGGGAGACTGCTGGAAGCACAGAAGGTGCTACCGGAGCCTCCCAGAGCGGAG[G>T]GTAAGAGTCCCCTGTGCAGACGAGGATCCACCGGGATCCCCATTATTTCAAGGGCTTCTC-3'
Protein context (NP_000171.1, residues 695-715): KVLPEPPRAE[Asp705Tyr]QLWTAPELLR